The following is an entry in ClinVar:

NM_172107.4(KCNQ2):c.443C>A (p.Ala148Glu)

Gene: KCNQ2 (potassium voltage-gated channel subfamily Q member 2; minus strand). Cytogenetic location: 20q13.33.
Variant type: single nucleotide variant.
Coding change: c.443C>A on transcript NM_172107.4 (MANE Select); coding-DNA position 443, C replaced by A.
Protein change: p.Ala148Glu; replaces alanine 148 with glutamic acid.
Molecular consequence: missense variant.
Genome position (GRCh38, 1-based): chr20:63,445,309, G>T on the plus strand (C>A on the coding strand, the complement: KCNQ2 is on the minus strand). VCF-style: chr20-63445309-G-T. GRCh37 (hg19) VCF-style: chr20-62076662-G-T.
Other names: c.443C>A, p.Ala148Glu (NM_001382235.1, NM_004518.6, NM_172106.3 and 2 more transcripts); short protein forms A148E.
Identifiers: ClinVar variation 1374798 (VCV001374798.9), dbSNP rs2145779347, ClinGen allele CA409655389.

ClinVar aggregate classification (germline): Uncertain significance (1 of 4 stars; one submission).

Conditions:
Early-infantile DEE. Also called: Ohtahara syndrome; Early infantile epileptic encephalopathy; Early infantile epileptic encephalopathy with suppression bursts. Identifiers: Orphanet 1934, MedGen C0393706, MONDO:0800491.

Submission:

Labcorp Genetics (formerly Invitae), Labcorp
Classification: Uncertain significance for Early-infantile DEE. Last evaluated: 2024-08-08. Review status: criteria provided, single submitter. Criteria: Invitae Variant Classification Sherloc (09022015). Collection method: clinical testing. Allele origin: germline.
Comment: This sequence change replaces alanine, which is neutral and non-polar, with glutamic acid, which is acidic and polar, at codon 148 of the KCNQ2 protein (p.Ala148Glu). This variant is not present in population databases (gnomAD no frequency). This variant has not been reported in the literature in individuals affected with KCNQ2-related conditions. ClinVar contains an entry for this variant (Variation ID: 1374798). Advanced modeling of protein sequence and biophysical properties (such as structural, functional, and spatial information, amino acid conservation, physicochemical variation, residue mobility, and thermodynamic stability) performed at Invitae indicates that this missense variant is expected to disrupt KCNQ2 protein function with a positive predictive value of 95%. In summary, the available evidence is currently insufficient to determine the role of this variant in disease. Therefore, it has been classified as a Variant of Uncertain Significance.